The following is an entry in ClinVar:

NM_015512.5(DNAH1):c.767G>A (p.Arg256Gln)

Gene: DNAH1 (dynein axonemal heavy chain 1; plus strand). Cytogenetic location: 3p21.1.
Variant type: single nucleotide variant.
Coding change: c.767G>A on transcript NM_015512.5 (MANE Select); coding-DNA position 767, G replaced by A.
Protein change: p.Arg256Gln; replaces arginine 256 with glutamine.
Molecular consequence: missense variant.
Genome position (GRCh38, 1-based): chr3:52,327,910, G>A. VCF-style: chr3-52327910-G-A. GRCh37 (hg19) VCF-style: chr3-52361926-G-A.
Other names: short protein forms R256Q.
Identifiers: ClinVar variation 945574 (VCV000945574.8), dbSNP rs200017350, ClinGen allele CA2432768.

ClinVar aggregate classification (germline): Uncertain significance. Review status: criteria provided, multiple submitters, no conflicts (2 of 4 stars). 2 submissions from 2 submitters: Uncertain significance (2). Last evaluated 2025-09-22.

Conditions:
Spermatogenic failure 18. Identifiers: MedGen C4539783, MONDO:0054615, OMIM 617576.
Ciliary dyskinesia, primary, 37 (CILD37). Also called: CILIARY DYSKINESIA, PRIMARY, 37, WITH OR WITHOUT SITUS INVERSUS. Identifiers: MedGen C4539798, MONDO:0033204, OMIM 617577.

Allele frequency attached by ClinVar (database versions not stated): ExAC 0.00006; gnomAD exomes 0.00007; TOPMed 0.00007; ESP Exome Variant Server 0.00008; gnomAD 0.00010 and 0.00011.
gnomAD v4.1: 112 of 1,613,838 alleles (0.0069%); highest among the groups gnomAD compares: East Asian, 0.049%; no homozygotes.

Submissions (2):

Labcorp Genetics (formerly Invitae), Labcorp
Classification: Uncertain significance for Ciliary dyskinesia, primary, 37; Spermatogenic failure 18. Last evaluated: 2025-09-22. Review status: criteria provided, single submitter. Criteria: Invitae Variant Classification Sherloc (09022015). Collection method: clinical testing. Allele origin: germline.
Comment: This sequence change replaces arginine, which is basic and polar, with glutamine, which is neutral and polar, at codon 256 of the DNAH1 protein (p.Arg256Gln). This variant is present in population databases (rs200017350, gnomAD 0.02%). This variant has not been reported in the literature in individuals affected with DNAH1-related conditions. ClinVar contains an entry for this variant (Variation ID: 945574). An algorithm developed to predict the effect of missense changes on protein structure and function (PolyPhen-2) suggests that this variant is likely to be disruptive. In summary, the available evidence is currently insufficient to determine the role of this variant in disease. Therefore, it has been classified as a Variant of Uncertain Significance.

Fulgent Genetics
Classification: Uncertain significance for Spermatogenic failure 18; Ciliary dyskinesia, primary, 37. Last evaluated: 2021-07-20. Review status: criteria provided, single submitter. Criteria: ACMG Guidelines, 2015. Collection method: clinical testing. Allele origin: unknown.